The following is an entry in ClinVar:

ClinVar aggregate classification (germline): Uncertain significance. Review status: criteria provided, multiple submitters, no conflicts (2 of 4 stars). 2 submissions from 2 submitters: Uncertain significance (2). Last evaluated 2021-08-09.

Conditions:
Fanconi anemia (FA). Also called: Fanconi's anemia. Identifiers: Orphanet 84, MedGen C0015625, MeSH D005199, MONDO:0019391.
Fanconi anemia complementation group P. Also called: SLX4-Related Fanconi Anemia. Identifiers: Orphanet 84, MedGen C3469542, MONDO:0013499, OMIM 613951.

Allele frequency attached by ClinVar (database versions not stated): gnomAD exomes below 0.00001.

Submissions (2):

Fulgent Genetics
Classification: Uncertain significance for Fanconi anemia complementation group P. Last evaluated: 2021-08-09. Review status: criteria provided, single submitter. Criteria: ACMG Guidelines, 2015. Collection method: clinical testing. Allele origin: unknown.

Labcorp Genetics (formerly Invitae), Labcorp
Classification: Uncertain significance for Fanconi anemia. Last evaluated: 2021-07-06. Review status: criteria provided, single submitter. Criteria: Invitae Variant Classification Sherloc (09022015). Collection method: clinical testing. Allele origin: germline.
Comment: In summary, the available evidence is currently insufficient to determine the role of this variant in disease. Therefore, it has been classified as a Variant of Uncertain Significance. Algorithms developed to predict the effect of sequence changes on RNA splicing suggest that this variant may create or strengthen a splice site. Algorithms developed to predict the effect of missense changes on protein structure and function are either unavailable or do not agree on the potential impact of this missense change (SIFT: "Deleterious"; PolyPhen-2: "Benign"; Align-GVGD: "Class C0"). This variant has not been reported in the literature in individuals affected with SLX4-related conditions. This variant is not present in population databases (ExAC no frequency). This sequence change replaces serine with arginine at codon 1481 of the SLX4 protein (p.Ser1481Arg). The serine residue is moderately conserved and there is a moderate physicochemical difference between serine and arginine.

NM_032444.4(SLX4):c.4443C>G (p.Ser1481Arg)

Gene: SLX4 (SLX4 structure-specific endonuclease subunit; minus strand). Cytogenetic location: 16p13.3.
Variant type: single nucleotide variant.
Coding change: c.4443C>G on transcript NM_032444.4 (MANE Select); coding-DNA position 4443, C replaced by G.
Protein change: p.Ser1481Arg; replaces serine 1481 with arginine.
Molecular consequence: missense variant.
Genome position (GRCh38, 1-based): chr16:3,589,195, G>C on the plus strand (C>G on the coding strand, the complement: SLX4 is on the minus strand). VCF-style: chr16-3589195-G-C. GRCh37 (hg19) VCF-style: chr16-3639196-G-C.
Other names: short protein forms S1481R.
Identifiers: ClinVar variation 1421269 (VCV001421269.9), dbSNP rs1307537720, ClinGen allele CA394517135.